The following is an entry in ClinVar:

ClinVar aggregate classification (germline): Conflicting classifications of pathogenicity. Review status: criteria provided, conflicting classifications (1 of 4 stars). 2 submissions from 2 submitters: Uncertain significance (1); Likely benign (1). Last evaluated 2024-05-02.

Allele frequency attached by ClinVar (database versions not stated): ExAC 0.00001; gnomAD 0.00001; gnomAD exomes 0.00001 and 0.00002; TOPMed 0.00002.
gnomAD v4.1: 28 of 1,613,670 alleles (0.0017%); highest among the groups gnomAD compares: Non-Finnish European, 0.0023%; no homozygotes.

Submissions (2):

Labcorp Genetics (formerly Invitae), Labcorp
Classification: Uncertain significance. Last evaluated: 2024-05-02. Review status: criteria provided, single submitter. Criteria: Invitae Variant Classification Sherloc (09022015). Collection method: clinical testing. Allele origin: germline.
Comment: This sequence change replaces cysteine, which is neutral and slightly polar, with tyrosine, which is neutral and polar, at codon 821 of the KCNH1 protein (p.Cys821Tyr). This variant is present in population databases (rs775759879, gnomAD 0.002%). This variant has not been reported in the literature in individuals affected with KCNH1-related conditions. ClinVar contains an entry for this variant (Variation ID: 1181381). Advanced modeling of protein sequence and biophysical properties (such as structural, functional, and spatial information, amino acid conservation, physicochemical variation, residue mobility, and thermodynamic stability) performed at Invitae indicates that this missense variant is not expected to disrupt KCNH1 protein function with a negative predictive value of 95%. In summary, the available evidence is currently insufficient to determine the role of this variant in disease. Therefore, it has been classified as a Variant of Uncertain Significance.

GeneDx
Classification: Likely benign. Last evaluated: 2020-05-21. Review status: criteria provided, single submitter. Criteria: GeneDx Variant Classification Process June 2021. Collection method: clinical testing. Allele origin: germline. Affected: yes.
Comment: In silico analysis, which includes protein predictors and evolutionary conservation, supports that this variant does not alter protein structure/function; Has not been previously published as pathogenic or benign to our knowledge

NM_172362.3(KCNH1):c.2462G>A (p.Cys821Tyr)

Gene: KCNH1 (potassium voltage-gated channel subfamily H member 1; minus strand). Cytogenetic location: 1q32.2.
Variant type: single nucleotide variant.
Coding change: c.2462G>A on transcript NM_172362.3 (MANE Select); coding-DNA position 2462, G replaced by A.
Protein change: p.Cys821Tyr; replaces cysteine 821 with tyrosine.
Molecular consequence: missense variant.
Genome position (GRCh38, 1-based): chr1:210,683,789, C>T on the plus strand (G>A on the coding strand, the complement: KCNH1 is on the minus strand). VCF-style: chr1-210683789-C-T. GRCh37 (hg19) VCF-style: chr1-210857131-C-T.
Other names: c.2381G>A, p.Cys794Tyr (NM_002238.4); short protein forms C794Y, C821Y.
Identifiers: ClinVar variation 1181381 (VCV001181381.7), dbSNP rs775759879, ClinGen allele CA1379655.